The following is an entry in ClinVar:

ClinVar aggregate classification (germline): Pathogenic (1 of 4 stars; one submission).

Submission:

Labcorp Genetics (formerly Invitae), Labcorp
Classification: Pathogenic. Last evaluated: 2023-06-15. Review status: criteria provided, single submitter. Criteria: Invitae Variant Classification Sherloc (09022015). Collection method: clinical testing. Allele origin: germline.
Comment: This sequence change creates a premature translational stop signal (p.Asn52Argfs*18) in the CYP17A1 gene. It is expected to result in an absent or disrupted protein product. Loss-of-function variants in CYP17A1 are known to be pathogenic (PMID: 10720067, 14747197, 17192295, 20197673, 24140098). This variant is not present in population databases (gnomAD no frequency). This variant has not been reported in the literature in individuals affected with CYP17A1-related conditions. For these reasons, this variant has been classified as Pathogenic.

Literature cited by the submitters: PubMed 10720067; PubMed 14747197; PubMed 17192295; PubMed 20197673; PubMed 24140098.

NM_000102.4(CYP17A1):c.155_170del (p.Asn52fs)

Gene: CYP17A1 (cytochrome P450 family 17 subfamily A member 1; minus strand). Cytogenetic location: 10q24.32.
Variant type: Deletion.
Coding change: c.155_170del on transcript NM_000102.4 (MANE Select); coding-DNA positions 155 to 170, 16 bases deleted (ACTTCTTCAAGCTGCA).
Protein change: p.Asn52fs; shifts the reading frame from asparagine 52.
Molecular consequence: frameshift variant.
Genome position (GRCh38, 1-based): chr10:102,837,192-102,837,207, TGCAGCTTGAAGAAGT deleted on the plus strand (ACTTCTTCAAGCTGCA on the coding strand, the reverse complement: CYP17A1 is on the minus strand); deleting any 16 consecutive bases within chr10:102,837,192-102,837,209 gives the same sequence; the c. name uses the placement nearest the transcript's 3' end. VCF-style (leftmost placement, unchanged base first): chr10-102837191-CTGCAGCTTGAAGAAGT-C. GRCh37 (hg19) VCF-style: chr10-104596948-CTGCAGCTTGAAGAAGT-C.
Other names: short protein forms N52fs.
Identifiers: ClinVar variation 2717017 (VCV002717017.3), dbSNP rs2493245759, ClinGen allele CA2697558738.